The following is an entry in ClinVar:

ClinVar aggregate classification (germline): Pathogenic (1 of 4 stars; one submission).

Conditions:
Baller-Gerold syndrome (BGS). Also called: CRANIOSYNOSTOSIS WITH RADIAL DEFECTS. Identifiers: Orphanet 1225, MedGen C0265308, MONDO:0009039, OMIM 218600.

Allele frequency attached by ClinVar (database versions not stated): gnomAD exomes below 0.00001.
gnomAD v4.1: 2 of 1,611,864 alleles (0.00012%); highest among the groups gnomAD compares: Non-Finnish European, 0.00017%; no homozygotes.

Submission:

Labcorp Genetics (formerly Invitae), Labcorp
Classification: Pathogenic for Baller-Gerold syndrome. Last evaluated: 2021-12-23. Review status: criteria provided, single submitter. Criteria: Invitae Variant Classification Sherloc (09022015). Collection method: clinical testing. Allele origin: germline.
Comment: This sequence change creates a premature translational stop signal (p.Gln91*) in the RECQL4 gene. It is expected to result in an absent or disrupted protein product. Loss-of-function variants in RECQL4 are known to be pathogenic (PMID: 12734318, 12952869). This variant is not present in population databases (gnomAD no frequency). This variant has not been reported in the literature in individuals affected with RECQL4-related conditions. For these reasons, this variant has been classified as Pathogenic.

Literature cited by the submitters: PubMed 12734318; PubMed 12952869.

NM_004260.4(RECQL4):c.271C>T (p.Gln91Ter)

Gene: RECQL4 (RecQ like helicase 4; minus strand). Cytogenetic location: 8q24.3.
Variant type: single nucleotide variant.
Coding change: c.271C>T on transcript NM_004260.4 (MANE Select); coding-DNA position 271, C replaced by T.
Protein change: p.Gln91Ter; replaces glutamine 91 with a stop codon.
Molecular consequence: nonsense.
Genome position (GRCh38, 1-based): chr8:144,517,133, G>A on the plus strand (C>T on the coding strand, the complement: RECQL4 is on the minus strand). VCF-style: chr8-144517133-G-A. GRCh37 (hg19) VCF-style: chr8-145742517-G-A.
Other names: c.271C>T, p.Gln91Ter (NM_001413017.1, NM_001413018.1, NM_001413019.1 and 5 more transcripts); c.-450C>T (NM_001413021.1); c.-801C>T (NM_001413022.1, NM_001413023.1, NM_001413037.1 and 3 more transcripts); c.-698C>T (NM_001413024.1, NM_001413035.1); c.142C>T, p.Gln48Ter (NM_001413025.1); c.-863C>T (NM_001413027.1, NM_001413030.1, NM_001413031.1 and 1 more transcripts); c.-526C>T (NM_001413028.1); c.-760C>T (NM_001413032.1); and 2 more; short protein forms Q48*, Q91*.
Identifiers: ClinVar variation 2056251 (VCV002056251.4), dbSNP rs2130735808, ClinGen allele CA372692189.